The following is an entry in ClinVar:

NM_001267550.2(TTN):c.26762-10_26762-9insTTGTTTTGTA

Gene: TTN (titin; minus strand). Cytogenetic location: 2q31.2.
Variant type: Insertion.
Coding change: c.26762-10_26762-9insTTGTTTTGTA on transcript NM_001267550.2 (MANE Select); 10 bases into the intron before coding-DNA position 26762 through 9 bases into the intron before coding-DNA position 26762, TTGTTTTGTA inserted.
Molecular consequence: intron variant.
Genome position: GRCh38 VCF-style: chr2-178713381-T-TACAATACAAA. GRCh37 (hg19) VCF-style: chr2-179578108-T-TACAATACAAA.
Other names: p.?; c.26762-10_26762-9insTTTGTATTGT (NM_001267550.2); c.25811-10_25811-9insTTTGTATTGT (NM_001256850.1); c.13282+24700_13282+24701insTTGTTTTGTA (NM_003319.4); c.13858+24700_13858+24701insTTGTTTTGTA (NM_133437.4); c.13657+24700_13657+24701insTTGTTTTGTA (NM_133432.3); c.23030-10_23030-9insTTGTTTTGTA (NM_133378.4); c.25811-10_25811-9insTTGTTTTGTA (NM_001256850.1); and 1 more.
Identifiers: ClinVar variation 405188 (VCV000405188.22), dbSNP rs1553893826, ClinGen allele CA16610485.

ClinVar aggregate classification (germline): Conflicting classifications of pathogenicity. Review status: criteria provided, conflicting classifications (1 of 4 stars). 7 submissions from 7 submitters: Uncertain significance (1); Benign (2); Likely benign (4). Last evaluated 2026-01-06.

Conditions:
Dilated cardiomyopathy 1G (CMD1G). Identifiers: Orphanet 154, MedGen C1858763, MONDO:0011400, OMIM 604145.
Autosomal recessive limb-girdle muscular dystrophy type 2J (LGMDR10). Also called: Limb-girdle muscular dystrophy, type 2J; MUSCULAR DYSTROPHY, LIMB-GIRDLE, AUTOSOMAL RECESSIVE 10. Identifiers: Orphanet 140922, MedGen C1837342, MONDO:0012127, OMIM 608807.

Submissions (7):

Labcorp Genetics (formerly Invitae), Labcorp
Classification: Likely benign for Dilated cardiomyopathy 1G; Autosomal recessive limb-girdle muscular dystrophy type 2J. Last evaluated: 2026-01-06. Review status: criteria provided, single submitter. Criteria: Invitae Variant Classification Sherloc (09022015). Collection method: clinical testing. Allele origin: germline.

Mayo Clinic Laboratories, Mayo Clinic
Classification: Benign. Last evaluated: 2025-07-14. Review status: criteria provided, single submitter. Criteria: ACMG Guidelines, 2015. Collection method: clinical testing. Allele origin: germline. Observed: 1 variant allele.
Comment: BS1, BS2, BP4, BP7

Blueprint Genetics
Classification: Likely benign. Last evaluated: 2024-10-14. Review status: criteria provided, single submitter. Criteria: ACMG Guidelines, 2015. Collection method: clinical testing. Allele origin: germline.

Women's Health and Genetics/Laboratory Corporation of America, LabCorp
Classification: Benign. Last evaluated: 2023-08-14. Review status: criteria provided, single submitter. Criteria: LabCorp Variant Classification Summary - May 2015. Collection method: clinical testing. Allele origin: germline.
Comment: Variant summary: TTN c.23030-10_23030-9insTTTGTATTGT results in the insertion of 10 nucleotides at a position not widely known to affect splicing. Several computational tools predict a significant impact on normal splicing: four predict the variant weakens a 3' acceptor site. However, these predictions have yet to be confirmed by functional studies. The variant allele was found at a frequency of 0.00037 in 149680 control chromosomes (i.e., 55 heterozygotes), predominantly at a frequency of 0.00053 within the Non-Finnish European subpopulation in the gnomAD database (v3.1.2). The observed variant frequency within Non-Finnish European control individuals in the gnomAD database is approximately 1.4 fold of the estimated maximal expected allele frequency for a pathogenic variant in TTN causing Dilated Cardiomyopathy phenotype (0.00039), strongly suggesting that the variant is a benign polymorphism found primarily in populations of Non-Finnish European origin. To our knowledge, no occurrence of c.23030-10_23030-9insTTTGTATTGT in individuals affected with Dilated Cardiomyopathy and no experimental evidence demonstrating its impact on protein function have been reported. Four submitters have reported clinical-significance assessments for this variant to ClinVar after 2014; three submitters classified the variant as likely benign, and one submitter classified the variant as uncertain significance. Based on the evidence outlined above, the variant was classified as benign.

GeneDx
Classification: Likely benign. Last evaluated: 2017-12-28. Review status: criteria provided, single submitter. Criteria: GeneDx Variant Classification (06012015). Collection method: clinical testing. Allele origin: germline. Affected: yes.
Comment: This variant is considered likely benign or benign based on one or more of the following criteria: it is a conservative change, it occurs at a poorly conserved position in the protein, it is predicted to be benign by multiple in silico algorithms, and/or has population frequency not consistent with disease.

Eurofins Ntd Llc (ga)
Classification: Uncertain significance. Last evaluated: 2017-02-03. Review status: criteria provided, single submitter. Criteria: EGL Classification Definitions 2015. Collection method: clinical testing. Allele origin: germline. Observed: 1 variant allele, 1 heterozygote.

Genetic Services Laboratory, University of Chicago
Classification: Likely benign. Last evaluated: 2016-12-23. Review status: criteria provided, single submitter. Criteria: ACMG Guidelines, 2015. Collection method: clinical testing. Allele origin: germline. Affected: no.